The following is an entry in ClinVar:

NM_001283009.2(RTEL1):c.2162G>A (p.Arg721Lys)

Genes: RTEL1 (regulator of telomere elongation helicase 1; plus strand), RTEL1-TNFRSF6B (RTEL1-TNFRSF6B readthrough (NMD candidate); plus strand). Cytogenetic location: 20q13.33.
Variant type: single nucleotide variant.
Coding change: c.2162G>A on transcript NM_001283009.2 (MANE Select); coding-DNA position 2162, G replaced by A.
Protein change: p.Arg721Lys; replaces arginine 721 with lysine.
Molecular consequence: missense variant. On other transcripts: non-coding transcript variant (1).
Genome position (GRCh38, 1-based): chr20:63,690,107, G>A. VCF-style: chr20-63690107-G-A. GRCh37 (hg19) VCF-style: chr20-62321460-G-A.
Other names: c.2234G>A (NM_032957.4); c.1493G>A, p.Arg498Lys (NM_001283010.1); c.2162G>A, p.Arg721Lys (NM_016434.4); c.2234G>A, p.Arg745Lys (NM_032957.5); short protein forms R721K, R745K, R498K.
Identifiers: ClinVar variation 3587607 (VCV003587607.2).

ClinVar aggregate classification (germline): Uncertain significance. Review status: criteria provided, multiple submitters, no conflicts (2 of 4 stars). 2 submissions from 2 submitters: Uncertain significance (2). Last evaluated 2024-12-11.

Conditions:
RTEL1-related disorder. Also called: RTEL1-related condition; RTEL1-related disorders.
Dyskeratosis congenita, autosomal recessive 5 (DKCB5). Identifiers: MedGen C3554656, MONDO:0014076, OMIM 615190.
Pulmonary fibrosis and/or bone marrow failure, Telomere-related, 3. Also called: PULMONARY FIBROSIS AND/OR BONE MARROW FAILURE SYNDROME, TELOMERE-RELATED, 3. Identifiers: Orphanet 2032, MedGen C4225346, MONDO:0014613, OMIM 616373.

gnomAD v4.1: 3 of 1,611,994 alleles (0.00019%); highest among the groups gnomAD compares: Admixed American, 0.0033%; no homozygotes.

Submissions (2):

PreventionGenetics, part of Exact Sciences
Classification: Uncertain significance for RTEL1-related condition. Last evaluated: 2024-12-11. Review status: criteria provided, single submitter. Criteria: ACMG Guidelines, 2015. Collection method: clinical testing. Allele origin: germline.
Comment: The RTEL1 c.2234G>A variant is predicted to result in the amino acid substitution p.Arg745Lys. Of note, this variant can also be referred to as c.2162G>A (p.Arg721Lys) with the alternative isoform, NM_016434.4; ENST00000370018.3. To our knowledge, this variant has not been reported in the literature. This variant is reported in 0.0058% of alleles in individuals of Latino descent in gnomAD. At this time, the clinical significance of this variant is uncertain due to the absence of conclusive functional and genetic evidence.

Fulgent Genetics
Classification: Uncertain significance for Dyskeratosis congenita, autosomal recessive 5; Pulmonary fibrosis and/or bone marrow failure, Telomere-related, 3. Last evaluated: 2024-04-13. Review status: criteria provided, single submitter. Criteria: ACMG Guidelines, 2015. Collection method: clinical testing. Allele origin: germline.